The following is an entry in ClinVar:

NM_004181.5(UCHL1):c.24del (p.Asn9fs)

Gene: UCHL1 (ubiquitin C-terminal hydrolase L1; plus strand). Cytogenetic location: 4p13.
Variant type: Deletion.
Coding change: c.24del on transcript NM_004181.5 (MANE Select); coding-DNA position 24, one base deleted (C; older notation c.24delC).
Protein change: p.Asn9fs; shifts the reading frame from asparagine 9.
Molecular consequence: frameshift variant.
Genome position (GRCh38, 1-based): chr4:41,257,000, C deleted. VCF-style (leftmost placement, unchanged base first): chr4-41256999-TC-T. GRCh37 (hg19) VCF-style: chr4-41259016-TC-T.
Other names: short protein forms N9fs.
Identifiers: ClinVar variation 3345701 (VCV003345701.1).
Genomic context (GRCh38, chr4:41,256,999, plus strand): 5'-GTCTTCCCTAGGCTATTTCTGCCGGGCGCTCCGCGAAGATGCAGCTCAAGCCGATGGAGA[TC>T]AACCCCGAGGTGAGCGCCAGGTGCACCGCTACCCGGAGAGCGCGAGGCCGAGGGAGGGGG-3'

ClinVar aggregate classification (germline): Likely pathogenic (0 of 4 stars; one submission).

Conditions:
UCHL1-related disorder. Also called: UCHL1-related condition.

Submission:

PreventionGenetics, part of Exact Sciences
Classification: Likely pathogenic for UCHL1-related condition. Last evaluated: 2024-05-28. Review status: no assertion criteria provided. Collection method: clinical testing. Allele origin: germline.
Comment: The UCHL1 c.24delC variant is predicted to result in a frameshift and premature protein termination (p.Asn9Thrfs*5). To our knowledge, this variant has not been reported in the literature or in a large population database, indicating this variant is rare. Loss of function variants, such as this frameshift variant, in UCHL1 are an established mechanism of autosomal dominant disease (Park et al. 2022. PubMed ID: 35986737). Of note, an upstream loss-of-function variant has been reported as causative (Park et al. 2022. PubMed ID: 35986737). Given the evidence, we interpret this variant as likely pathogenic.